The following is an entry in ClinVar:

ClinVar aggregate classification (germline): Uncertain significance (1 of 4 stars; one submission).

Conditions:
Psoriasis 2. Identifiers: MedGen C1864497, MONDO:0011269, OMIM 602723.
Pityriasis rubra pilaris (PRP). Also called: Pityriasis rubra pilaris--familial type. Identifiers: Orphanet 2897, MedGen C0032027, MONDO:0100017, OMIM 173200, MONDO:0008251.

Allele frequency attached by ClinVar (database versions not stated): gnomAD 0.00001; gnomAD exomes 0.00001; TOPMed 0.00001; ExAC 0.00008; ESP Exome Variant Server 0.00008.
gnomAD v4.1: 8 of 1,566,730 alleles (0.00051%); highest among the groups gnomAD compares: East Asian, 0.0024%; no homozygotes.

Submission:

Labcorp Genetics (formerly Invitae), Labcorp
Classification: Uncertain significance for Pityriasis rubra pilaris; Psoriasis 2. Last evaluated: 2024-05-09. Review status: criteria provided, single submitter. Criteria: Invitae Variant Classification Sherloc (09022015). Collection method: clinical testing. Allele origin: germline.
Comment: This sequence change replaces arginine, which is basic and polar, with cysteine, which is neutral and slightly polar, at codon 44 of the CARD14 protein (p.Arg44Cys). The frequency data for this variant in the population databases is considered unreliable, as metrics indicate poor data quality at this position in the gnomAD database. This variant has not been reported in the literature in individuals affected with CARD14-related conditions. ClinVar contains an entry for this variant (Variation ID: 1047396). Advanced modeling of protein sequence and biophysical properties (such as structural, functional, and spatial information, amino acid conservation, physicochemical variation, residue mobility, and thermodynamic stability) performed at Invitae indicates that this missense variant is expected to disrupt CARD14 protein function with a positive predictive value of 80%. In summary, the available evidence is currently insufficient to determine the role of this variant in disease. Therefore, it has been classified as a Variant of Uncertain Significance.

NM_001366385.1(CARD14):c.130C>T (p.Arg44Cys)

Gene: CARD14 (caspase recruitment domain family member 14; plus strand). Cytogenetic location: 17q25.3.
Variant type: single nucleotide variant.
Coding change: c.130C>T on transcript NM_001366385.1 (MANE Select); coding-DNA position 130, C replaced by T.
Protein change: p.Arg44Cys; replaces arginine 44 with cysteine.
Molecular consequence: missense variant. On other transcripts: non-coding transcript variant (1).
Genome position (GRCh38, 1-based): chr17:80,181,568, C>T. VCF-style: chr17-80181568-C-T. GRCh37 (hg19) VCF-style: chr17-78155367-C-T.
Other names: c.130C>T, p.Arg44Cys (NM_001257970.1, NM_024110.4); short protein forms R44C.
Identifiers: ClinVar variation 1047396 (VCV001047396.11), dbSNP rs374690955, ClinGen allele CA8816337.